The following is an entry in ClinVar:

ClinVar aggregate classification (germline): Likely benign (1 of 4 stars; one submission).

Conditions:
PLXNA3-related disorder. Also called: PLXNA3-related condition.

gnomAD v4.1: 6 of 1,208,809 alleles (0.0005%); highest among the groups gnomAD compares: Admixed American, 0.0044%; no homozygotes.

Submission:

PreventionGenetics, part of Exact Sciences
Classification: Likely benign for PLXNA3-related condition. Last evaluated: 2025-03-19. Review status: criteria provided, single submitter. Criteria: ACMG Guidelines, 2015. Collection method: clinical testing. Allele origin: germline.
Comment: This variant is classified as likely benign based on ACMG/AMP sequence variant interpretation guidelines (Richards et al. 2015 PMID: 25741868, with internal and published modifications).

NM_017514.5(PLXNA3):c.120G>C (p.Arg40=)

Gene: PLXNA3 (plexin A3; plus strand). Cytogenetic location: Xq28.
Variant type: single nucleotide variant.
Coding change: c.120G>C on transcript NM_017514.5 (MANE Select); coding-DNA position 120, G replaced by C.
Protein change: p.Arg40=; no amino-acid change (arginine 40 retained).
Molecular consequence: synonymous variant.
Genome position (GRCh38, 1-based): chrX:154,460,303, G>C. VCF-style: chrX-154460303-G-C. GRCh37 (hg19) VCF-style: chrX-153688643-G-C.
Identifiers: ClinVar variation 4989006 (VCV004989006.1).